The following is an entry in ClinVar:

ClinVar aggregate classification (germline): Uncertain significance (1 of 4 stars; one submission).

Conditions:
Primary ciliary dyskinesia. Also called: Ciliary dyskinesia. Identifiers: Orphanet 244, MedGen C0008780, MONDO:0016575, HP:0012265.

gnomAD v4.1: 1 of 1,613,470 alleles (0.000062%); no homozygotes.

Submission:

Ambry Genetics
Classification: Uncertain significance for Primary ciliary dyskinesia. Last evaluated: 2023-04-11. Review status: criteria provided, single submitter. Criteria: Ambry Variant Classification Scheme 2023. Collection method: clinical testing. Allele origin: germline.
Comment: The p.R358S variant (also known as c.1072C>A), located in coding exon 6 of the DNAH11 gene, results from a C to A substitution at nucleotide position 1072. The arginine at codon 358 is replaced by serine, an amino acid with dissimilar properties. This amino acid position is conserved. In addition, this alteration is predicted to be tolerated by in silico analysis. Since supporting evidence is limited at this time, the clinical significance of this alteration remains unclear.

NM_001277115.2(DNAH11):c.1072C>A (p.Arg358Ser)

Gene: DNAH11 (dynein axonemal heavy chain 11; plus strand). Cytogenetic location: 7p15.3.
Variant type: single nucleotide variant.
Coding change: c.1072C>A on transcript NM_001277115.2 (MANE Select); coding-DNA position 1072, C replaced by A.
Protein change: p.Arg358Ser; replaces arginine 358 with serine.
Molecular consequence: missense variant.
Genome position (GRCh38, 1-based): chr7:21,564,275, C>A. VCF-style: chr7-21564275-C-A. GRCh37 (hg19) VCF-style: chr7-21603893-C-A.
Other names: c.1072C>A, p.Arg358Ser (NM_003777.3); short protein forms R358S.
Identifiers: ClinVar variation 2568398 (VCV002568398.2), dbSNP rs749125298, ClinGen allele CA366933772.